The following is an entry in ClinVar:

NM_005765.3(ATP6AP2):c.275G>A (p.Ser92Asn)

Gene: ATP6AP2 (ATPase H+ transporting accessory protein 2; plus strand). Cytogenetic location: Xp11.4.
Variant type: single nucleotide variant.
Coding change: c.275G>A on transcript NM_005765.3 (MANE Select); coding-DNA position 275, G replaced by A.
Protein change: p.Ser92Asn; replaces serine 92 with asparagine.
Molecular consequence: missense variant.
Genome position (GRCh38, 1-based): chrX:40,591,340, G>A. VCF-style: chrX-40591340-G-A. GRCh37 (hg19) VCF-style: chrX-40450592-G-A.
Other names: short protein forms S92N.
Identifiers: ClinVar variation 1513046 (VCV001513046.7), dbSNP rs1450455949, ClinGen allele CA412754392.
Genomic context (GRCh38, chrX:40,591,340, plus strand): 5'-CTCGGGCTACCGTCATGGTGATGGTGAAGGGAGTGAACAAACTGGCTCTACCCCCAGGCA[G>A]TGTCATTTCGTACCCTTTGGAGAATGTGAGTATTTATTATAAAAAATTAAAGGGATGCAT-3'
Protein context (NP_005756.2, residues 82-102): GVNKLALPPG[Ser92Asn]VISYPLENAV

ClinVar aggregate classification (germline): Uncertain significance. Review status: criteria provided, multiple submitters, no conflicts (2 of 4 stars). 2 submissions from 2 submitters: Uncertain significance (2). Last evaluated 2021-09-30.

Conditions:
Intellectual developmental disorder, X-linked, syndromic, Hedera type. Also called: Syndromic X-linked intellectual disability Hedera type. Identifiers: Orphanet 93952, MedGen C1845543, MONDO:0010319, OMIM 300423.
ATP6AP2-related disorder. Identifiers: MedGen CN294805, MONDO:0100146.

Allele frequency attached by ClinVar (database versions not stated): gnomAD 0.00001; TOPMed 0.00002.
gnomAD v4.1: 4 of 1,209,605 alleles (0.00033%); highest among the groups gnomAD compares: Non-Finnish European, 0.00045%; no homozygotes.

Submissions (2):

Labcorp Genetics (formerly Invitae), Labcorp
Classification: Uncertain significance for Intellectual developmental disorder, X-linked, syndromic, Hedera type. Last evaluated: 2021-09-30. Review status: criteria provided, single submitter. Criteria: Invitae Variant Classification Sherloc (09022015). Collection method: clinical testing. Allele origin: germline.
Comment: In summary, the available evidence is currently insufficient to determine the role of this variant in disease. Therefore, it has been classified as a Variant of Uncertain Significance. Algorithms developed to predict the effect of missense changes on protein structure and function (SIFT, PolyPhen-2, Align-GVGD) all suggest that this variant is likely to be tolerated. This missense change has been observed in individual(s) with ATP6AP2-related conditions (Invitae). This variant is not present in population databases (ExAC no frequency). This sequence change replaces serine with asparagine at codon 92 of the ATP6AP2 protein (p.Ser92Asn). The serine residue is moderately conserved and there is a small physicochemical difference between serine and asparagine.

Victorian Clinical Genetics Services, Murdoch Childrens Research Institute
Classification: Uncertain significance for ATP6AP2-related disorder. Last evaluated: 2019-08-28. Review status: criteria provided, single submitter. Criteria: ACMG Guidelines, 2015. Collection method: clinical testing. Allele origin: germline. Inheritance: X-linked recessive inheritance. Affected: yes.
Comment: A hemizygous missense variant was identified, NM_005765.2(ATP6AP2):c.275G>A in exon 3 of 9 of the ATP6AP2 gene. This substitution is predicted to create a minor amino acid change from serine to asparagine at position 92 of the protein, NP_005756.2(ATP6AP2):p.(Ser92Asn). The serine at this position has low conservation (100 vertebrates, UCSC), and is not situated in a known functional domain. In silico software predicts this variant to be benign (Polyphen, SIFT, CADD, Mutation Taster). The variant is not present in the gnomAD population database, and has not been previously reported in clinical cases. Based on information available at the time of curation, this variant has been classified as a VARIANT of UNCERTAIN SIGNIFICANCE (VUS) with LOW CLINICAL RELEVANCE.